The following is an entry in ClinVar:

NM_153046.3(TDRD9):c.2223+3G>A

Gene: TDRD9 (tudor domain containing 9; plus strand). Cytogenetic location: 14q32.33.
Variant type: single nucleotide variant.
Coding change: c.2223+3G>A on transcript NM_153046.3 (MANE Select); 3 bases into the intron after coding-DNA position 2223, G replaced by A.
Molecular consequence: intron variant.
Genome position (GRCh38, 1-based): chr14:104,014,844, G>A. VCF-style: chr14-104014844-G-A. GRCh37 (hg19) VCF-style: chr14-104481181-G-A.
Identifiers: ClinVar variation 3034799 (VCV003034799.2), dbSNP rs570254371, ClinGen allele CA7368785.

ClinVar aggregate classification (germline): Likely benign (0 of 4 stars; one submission).

Conditions:
TDRD9-related disorder. Also called: TDRD9-related condition.

Allele frequency attached by ClinVar (database versions not stated): ExAC 0.00001; gnomAD 0.00001; gnomAD exomes 0.00001; TOPMed 0.00002; 1000 Genomes Project 30x 0.00016; 1000 Genomes Project 0.00020.
gnomAD v4.1: 9 of 1,539,944 alleles (0.00058%); highest among the groups gnomAD compares: African/African-American, 0.0028%; no homozygotes.

Submission:

PreventionGenetics, part of Exact Sciences
Classification: Likely benign for TDRD9-related condition. Last evaluated: 2019-12-26. Review status: no assertion criteria provided. Collection method: clinical testing. Allele origin: germline.
Comment: This variant is classified as likely benign based on ACMG/AMP sequence variant interpretation guidelines (Richards et al. 2015 PMID: 25741868, with internal and published modifications).